The following is an entry in ClinVar:

ClinVar aggregate classification (germline): Pathogenic/Likely pathogenic. Review status: criteria provided, multiple submitters, no conflicts (2 of 4 stars). 6 submissions from 6 submitters: Pathogenic (5); Likely pathogenic (1). Last evaluated 2025-05-05.

Conditions:
Hereditary cancer-predisposing syndrome. Also called: Neoplastic Syndromes, Hereditary; Tumor predisposition; Hereditary neoplastic syndrome; Hereditary Cancer Syndrome. Identifiers: Orphanet 140162, MedGen C0027672, MeSH D009386, MONDO:0015356.
Familial cancer of breast. Also called: BREAST CANCER, FAMILIAL; Hereditary breast cancer; hereditary breast carcinoma. Identifiers: Orphanet 227535, MedGen C0346153, MONDO:0016419, OMIM 114480. Disease mechanism: loss of function.
Ataxia-telangiectasia syndrome (AT). Also called: Cerebello-oculocutaneous telangiectasia; Immunodeficiency with ataxia telangiectasia; Ataxia-telangiectasia; Ataxia telangiectasia (A-T); LOUIS-BAR SYNDROME; Ataxia-telangiectasia, complementation group D. Identifiers: Orphanet 100, MedGen C0004135, MONDO:0008840, OMIM 208900.

Submissions (6):

Women's Health and Genetics/Laboratory Corporation of America, LabCorp
Classification: Pathogenic for Ataxia-telangiectasia syndrome. Last evaluated: 2025-05-05. Review status: criteria provided, single submitter. Criteria: LabCorp Variant Classification Summary - May 2015. Collection method: clinical testing. Allele origin: germline.
Comment: Variant summary: ATM c.4104_4105delTT (p.Ser1369ArgfsX8) results in a premature termination codon, predicted to cause a truncation of the encoded protein or absence of the protein due to nonsense mediated decay, which are commonly known mechanisms for disease. The variant was absent in 248440 control chromosomes. To our knowledge, no occurrence of c.4104_4105delTT in individuals affected with Ataxia-Telangiectasia and no experimental evidence demonstrating its impact on protein function have been reported. ClinVar contains an entry for this variant (Variation ID: 246275). Based on the evidence outlined above, the variant was classified as pathogenic.

Ambry Genetics
Classification: Pathogenic for Hereditary cancer-predisposing syndrome. Last evaluated: 2025-04-24. Review status: criteria provided, single submitter. Criteria: Ambry Variant Classification Scheme 2023. Collection method: clinical testing. Allele origin: germline.
Comment: The c.4104_4105delTT pathogenic mutation, located in coding exon 26 of the ATM gene, results from a deletion of two nucleotides at nucleotide positions 4104 to 4105, causing a translational frameshift with a predicted alternate stop codon (p.S1369Rfs*8). This variant is considered to be rare based on population cohorts in the Genome Aggregation Database (gnomAD). This alteration is expected to result in loss of function by premature protein truncation or nonsense-mediated mRNA decay. As such, this alteration is interpreted as a disease-causing mutation.

Baylor Genetics
Classification: Likely pathogenic for Familial cancer of breast. Last evaluated: 2024-02-22. Review status: criteria provided, single submitter. Criteria: ACMG Guidelines, 2015. Collection method: clinical testing. Allele origin: unknown.

Myriad Genetics, Inc.
Classification: Pathogenic for Familial cancer of breast. Last evaluated: 2024-01-23. Review status: criteria provided, single submitter. Criteria: Myriad Autosomal Dominant, Autosomal Recessive and X-Linked Classification Criteria (2023). Collection method: clinical testing. Allele origin: unknown.
Comment: This variant is considered pathogenic. This variant creates a frameshift predicted to result in premature protein truncation.

GeneDx
Classification: Pathogenic. Last evaluated: 2023-10-07. Review status: criteria provided, single submitter. Criteria: GeneDx Variant Classification Process June 2021. Collection method: clinical testing. Allele origin: germline. Affected: yes.
Comment: Frameshift variant predicted to result in protein truncation or nonsense mediated decay in a gene for which loss of function is a known mechanism of disease; Not observed at significant frequency in large population cohorts (gnomAD); Truncating variants in this gene are considered pathogenic by a well-established clinical consortium and/or database; Has not been previously published as pathogenic or benign to our knowledge

Labcorp Genetics (formerly Invitae), Labcorp
Classification: Pathogenic for Ataxia-telangiectasia syndrome. Last evaluated: 2022-05-29. Review status: criteria provided, single submitter. Criteria: Invitae Variant Classification Sherloc (09022015). Collection method: clinical testing. Allele origin: germline.
Comment: This sequence change creates a premature translational stop signal (p.Ser1369Argfs*8) in the ATM gene. It is expected to result in an absent or disrupted protein product. Loss-of-function variants in ATM are known to be pathogenic (PMID: 23807571, 25614872). This variant is not present in population databases (gnomAD no frequency). This variant has not been reported in the literature in individuals affected with ATM-related conditions. ClinVar contains an entry for this variant (Variation ID: 246275). For these reasons, this variant has been classified as Pathogenic.

Literature cited by the submitters: PubMed 23807571 (cited by Labcorp Genetics (formerly Invitae), Labcorp); PubMed 25614872 (cited by Labcorp Genetics (formerly Invitae), Labcorp).

NM_000051.4(ATM):c.4104_4105del (p.Ser1369fs)

Gene: ATM (ATM serine/threonine kinase; plus strand). Cytogenetic location: 11q22.3.
Variant type: Deletion.
Coding change: c.4104_4105del on transcript NM_000051.4 (MANE Select); coding-DNA positions 4104 to 4105, 2 bases deleted (TT; older notation c.4104_4105delTT).
Protein change: p.Ser1369fs; shifts the reading frame from serine 1369.
Molecular consequence: frameshift variant.
Genome position (GRCh38, 1-based): chr11:108,287,710-108,287,711, TT deleted; deleting any 2 consecutive bases within chr11:108,287,708-108,287,711 gives the same sequence; the c. name uses the placement nearest the transcript's 3' end. VCF-style (leftmost placement, unchanged base first): chr11-108287707-CTT-C. GRCh37 (hg19) VCF-style: chr11-108158434-CTT-C.
Other names: c.4104_4105delTT (NM_000051.3, NM_000051.4); c.4104_4105del, p.Ser1369fs (NM_001351834.2); short protein forms S1369fs.
Identifiers: ClinVar variation 246275 (VCV000246275.19), dbSNP rs879254189, ClinGen allele CA10584340.